The following is an entry in ClinVar:

ClinVar aggregate classification (germline): Uncertain significance. Review status: criteria provided, multiple submitters, no conflicts (2 of 4 stars). 2 submissions from 2 submitters: Uncertain significance (2). Last evaluated 2025-12-15.

Conditions:
DICER1-related tumor predisposition. Also called: DICER1 syndrome; DICER1-related pleuropulmonary blastoma cancer predisposition syndrome. Identifiers: Orphanet 284343, MedGen C3839822, MONDO:0100216.
Hereditary cancer-predisposing syndrome. Also called: Neoplastic Syndromes, Hereditary; Hereditary Cancer Syndrome; Tumor predisposition; Hereditary neoplastic syndrome. Identifiers: Orphanet 140162, MedGen C0027672, MeSH D009386, MONDO:0015356.

Allele frequency attached by ClinVar (database versions not stated): gnomAD exomes 0.00001.
gnomAD v4.1: 12 of 1,614,140 alleles (0.00074%); highest among the groups gnomAD compares: Non-Finnish European, 0.00085%; no homozygotes.

Submissions (2):

Labcorp Genetics (formerly Invitae), Labcorp
Classification: Uncertain significance for DICER1-related tumor predisposition. Last evaluated: 2025-12-15. Review status: criteria provided, single submitter. Criteria: Invitae Variant Classification Sherloc (09022015). Collection method: clinical testing. Allele origin: germline.
Comment: This sequence change replaces isoleucine, which is neutral and non-polar, with valine, which is neutral and non-polar, at codon 41 of the DICER1 protein (p.Ile41Val). This variant is not present in population databases (gnomAD no frequency). This variant has not been reported in the literature in individuals affected with DICER1-related conditions. ClinVar contains an entry for this variant (Variation ID: 1038876). Invitae Evidence Modeling of protein sequence and biophysical properties (such as structural, functional, and spatial information, amino acid conservation, physicochemical variation, residue mobility, and thermodynamic stability) indicates that this missense variant is not expected to disrupt DICER1 protein function with a negative predictive value of 95%. In summary, the available evidence is currently insufficient to determine the role of this variant in disease. Therefore, it has been classified as a Variant of Uncertain Significance.

Ambry Genetics
Classification: Uncertain significance for Hereditary cancer-predisposing syndrome. Last evaluated: 2024-05-24. Review status: criteria provided, single submitter. Criteria: Ambry Variant Classification Scheme 2023. Collection method: clinical testing. Allele origin: germline.
Comment: The p.I41V variant (also known as c.121A>G), located in coding exon 1 of the DICER1 gene, results from an A to G substitution at nucleotide position 121. The isoleucine at codon 41 is replaced by valine, an amino acid with highly similar properties. This amino acid position is highly conserved in available vertebrate species. In addition, the in silico prediction for this alteration is inconclusive. Since supporting evidence is limited at this time, the clinical significance of this alteration remains unclear.

NM_177438.3(DICER1):c.121A>G (p.Ile41Val)

Gene: DICER1 (dicer 1, ribonuclease III; minus strand). Cytogenetic location: 14q32.13.
Variant type: single nucleotide variant.
Coding change: c.121A>G on transcript NM_177438.3 (MANE Select); coding-DNA position 121, A replaced by G.
Protein change: p.Ile41Val; replaces isoleucine 41 with valine.
Molecular consequence: missense variant.
Genome position (GRCh38, 1-based): chr14:95,133,338, T>C on the plus strand (A>G on the coding strand, the complement: DICER1 is on the minus strand). VCF-style: chr14-95133338-T-C. GRCh37 (hg19) VCF-style: chr14-95599675-T-C.
Other names: c.121A>G, p.Ile41Val (NM_001195573.1, NM_001271282.3, NM_001291628.2 and 1 more transcripts); short protein forms I41V.
Identifiers: ClinVar variation 1038876 (VCV001038876.13), dbSNP rs1894116766, ClinGen allele CA390890425.